The following is an entry in ClinVar:

ClinVar aggregate classification (germline): Uncertain significance. Review status: criteria provided, multiple submitters, no conflicts (2 of 4 stars). 2 submissions from 2 submitters: Uncertain significance (2). Last evaluated 2025-08-18.

Conditions:
Inborn genetic diseases. Identifiers: MedGen C0950123, MeSH D030342.

Allele frequency attached by ClinVar (database versions not stated): gnomAD exomes below 0.00001.
gnomAD v4.1: 1 of 1,613,938 alleles (0.000062%); no homozygotes.

Submissions (2):

Labcorp Genetics (formerly Invitae), Labcorp
Classification: Uncertain significance. Last evaluated: 2025-08-18. Review status: criteria provided, single submitter. Criteria: Invitae Variant Classification Sherloc (09022015). Collection method: clinical testing. Allele origin: germline.
Comment: This sequence change replaces leucine, which is neutral and non-polar, with phenylalanine, which is neutral and non-polar, at codon 396 of the ATR protein (p.Leu396Phe). This variant is present in population databases (no rsID available, gnomAD 0.004%). This variant has not been reported in the literature in individuals affected with ATR-related conditions. ClinVar contains an entry for this variant (Variation ID: 2723116). An algorithm developed to predict the effect of missense changes on protein structure and function outputs the following: PolyPhen-2: "Benign". The phenylalanine amino acid residue is found in multiple mammalian species, which suggests that this missense change does not adversely affect protein function. In summary, the available evidence is currently insufficient to determine the role of this variant in disease. Therefore, it has been classified as a Variant of Uncertain Significance.

Ambry Genetics
Classification: Uncertain significance for Inborn genetic diseases. Last evaluated: 2024-08-18. Review status: criteria provided, single submitter. Criteria: Ambry Variant Classification Scheme 2023. Collection method: clinical testing. Allele origin: germline.
Comment: The p.L396F variant (also known as c.1186C>T), located in coding exon 5 of the ATR gene, results from a C to T substitution at nucleotide position 1186. The leucine at codon 396 is replaced by phenylalanine, an amino acid with highly similar properties. This amino acid position is conserved. In addition, this alteration is predicted to be tolerated by in silico analysis. Based on the available evidence, the clinical significance of this variant remains unclear.

NM_001184.4(ATR):c.1186C>T (p.Leu396Phe)

Gene: ATR (ATR checkpoint kinase; minus strand). Cytogenetic location: 3q23.
Variant type: single nucleotide variant.
Coding change: c.1186C>T on transcript NM_001184.4 (MANE Select); coding-DNA position 1186, C replaced by T.
Protein change: p.Leu396Phe; replaces leucine 396 with phenylalanine.
Molecular consequence: missense variant.
Genome position (GRCh38, 1-based): chr3:142,561,406, G>A on the plus strand (C>T on the coding strand, the complement: ATR is on the minus strand). VCF-style: chr3-142561406-G-A. GRCh37 (hg19) VCF-style: chr3-142280248-G-A.
Other names: c.1186C>T, p.Leu396Phe (NM_001354579.2); c.1186C>T (NM_001184.3); short protein forms L396F.
Identifiers: ClinVar variation 2723116 (VCV002723116.4), dbSNP rs1478622574, ClinGen allele CA354823470.
Genomic context (GRCh38, chr3:142,561,406, plus strand): 5'-GAGTTTGGCATTGAATCTCCTCAATGATTTCCATACTTTCCATTTTCAAAGCTGCATAAA[G>A]TGGGCCCAACAAGTACTGAGAAAATAAAAAATAATTTCCAGAAATATTCCTTAGAAAATA-3'
Protein context (NP_001175.2, residues 386-406): EVDAEYLLGP[Leu396Phe]YAALKMESME